The following is an entry in ClinVar:

NM_016216.4(DBR1):c.979G>T (p.Val327Leu)

Gene: DBR1 (debranching RNA lariats 1; minus strand). Cytogenetic location: 3q22.3.
Variant type: single nucleotide variant.
Coding change: c.979G>T on transcript NM_016216.4 (MANE Select); coding-DNA position 979, G replaced by T.
Protein change: p.Val327Leu; replaces valine 327 with leucine.
Molecular consequence: missense variant.
Genome position (GRCh38, 1-based): chr3:138,162,545, C>A on the plus strand (G>T on the coding strand, the complement: DBR1 is on the minus strand). VCF-style: chr3-138162545-C-A. GRCh37 (hg19) VCF-style: chr3-137881387-C-A.
Other names: short protein forms V327L.
Identifiers: ClinVar variation 2632221 (VCV002632221.1), dbSNP rs1343777404, ClinGen allele CA354672005.

ClinVar aggregate classification (germline): Uncertain significance (1 of 4 stars; one submission).

Conditions:
DBR1-related disorder. Also called: DBR1-related condition.

Allele frequency attached by ClinVar (database versions not stated): TOPMed 0.00001.
gnomAD v4.1: 2 of 1,612,864 alleles (0.00012%); highest among the groups gnomAD compares: Admixed American, 0.0033%; no homozygotes.

Submission:

PreventionGenetics, part of Exact Sciences
Classification: Uncertain significance for DBR1-related condition. Last evaluated: 2023-06-15. Review status: criteria provided, single submitter. Criteria: ACMG Guidelines, 2015. Collection method: clinical testing. Allele origin: germline.
Comment: The DBR1 c.979G>T variant is predicted to result in the amino acid substitution p.Val327Leu. To our knowledge, this variant has not been reported in the literature or in a large population database, indicating this variant is rare. At this time, the clinical significance of this variant is uncertain due to the absence of conclusive functional and genetic evidence.